The following is an entry in ClinVar:

ClinVar aggregate classification (germline): Uncertain significance (1 of 4 stars; one submission).

Conditions:
Propionic acidemia (PROP). Also called: GLYCINEMIA, KETOTIC; HYPERGLYCINEMIA WITH KETOACIDOSIS AND LEUKOPENIA; KETOTIC HYPERGLYCINEMIA. Identifiers: Orphanet 35, MedGen C0268579, MONDO:0011628, OMIM 606054, HP:0003571.

Allele frequency attached by ClinVar (database versions not stated): gnomAD 0.00001; TOPMed 0.00001.
gnomAD v4.1: 2 of 1,612,908 alleles (0.00012%); highest among the groups gnomAD compares: African/African-American, 0.0027%; no homozygotes.

Submission:

Labcorp Genetics (formerly Invitae), Labcorp
Classification: Uncertain significance for Propionic acidemia. Last evaluated: 2022-03-10. Review status: criteria provided, single submitter. Criteria: Invitae Variant Classification Sherloc (09022015). Collection method: clinical testing. Allele origin: germline.
Comment: This sequence change replaces leucine, which is neutral and non-polar, with arginine, which is basic and polar, at codon 47 of the PCCB protein (p.Leu47Arg). This variant is not present in population databases (gnomAD no frequency). This variant has not been reported in the literature in individuals affected with PCCB-related conditions. Advanced modeling of protein sequence and biophysical properties (such as structural, functional, and spatial information, amino acid conservation, physicochemical variation, residue mobility, and thermodynamic stability) performed at Invitae indicates that this missense variant is not expected to disrupt PCCB protein function. In summary, the available evidence is currently insufficient to determine the role of this variant in disease. Therefore, it has been classified as a Variant of Uncertain Significance.

NM_000532.5(PCCB):c.140T>G (p.Leu47Arg)

Gene: PCCB (propionyl-CoA carboxylase subunit beta; plus strand). Cytogenetic location: 3q22.3.
Variant type: single nucleotide variant.
Coding change: c.140T>G on transcript NM_000532.5 (MANE Select); coding-DNA position 140, T replaced by G.
Protein change: p.Leu47Arg; replaces leucine 47 with arginine.
Molecular consequence: missense variant.
Genome position (GRCh38, 1-based): chr3:136,250,515, T>G. VCF-style: chr3-136250515-T-G. GRCh37 (hg19) VCF-style: chr3-135969357-T-G.
Other names: c.140T>G, p.Leu47Arg (NM_001178014.2); short protein forms L47R.
Identifiers: ClinVar variation 2108458 (VCV002108458.1), dbSNP rs916083200, ClinGen allele CA84265581.